The following is an entry in ClinVar:

NC_000023.10:g.(?_138612860)_(138613021_?)del

Gene: F9 (coagulation factor IX; plus strand). Cytogenetic location: Xq27.1.
Variant type: Deletion.
Identifiers: ClinVar variation 1071157 (VCV001071157.7).

ClinVar aggregate classification (germline): Pathogenic (1 of 4 stars; one submission).

Conditions:
Hereditary factor IX deficiency disease (HEMB). Also called: F9 DEFICIENCY; FACTOR IX DEFICIENCY; PLASMA THROMBOPLASTIN COMPONENT DEFICIENCY; Hemophilia B; Christmas Disease. Identifiers: Orphanet 98879, MedGen C0008533, MeSH D002836, MONDO:0010604, OMIM 306900.
Thrombophilia, X-linked, due to factor 9 defect. Identifiers: MedGen C2749016, MONDO:0010432, OMIM 300807.

Submission:

Labcorp Genetics (formerly Invitae), Labcorp
Classification: Pathogenic for Thrombophilia, X-linked, due to factor 9 defect; Hereditary factor IX deficiency disease. Last evaluated: 2020-09-23. Review status: criteria provided, single submitter. Criteria: Invitae Variant Classification Sherloc (09022015). Collection method: clinical testing. Allele origin: germline.
Comment: This variant is a gross deletion of the genomic region encompassing exon(s) 1 of the F9 gene, which includes the initiator codon. The 5' end of this event is unknown as it extends beyond the assayed region for this gene and therefore may encompass additional genes. The 3' boundary is likely confined to intron 1 of the F9 gene. This is expected to result in an absent or disrupted protein product. This variant has been observed in individual(s) with hemophilia B (PMID: 24816826, 18624698, 12588353, 2741941). Loss-of-function variants in F9 are known to be pathogenic (PMID: 20301668). For these reasons, this variant has been classified as Pathogenic.

Literature cited by the submitters: PubMed 24816826; PubMed 18624698; PubMed 12588353; PubMed 2741941; PubMed 20301668.